The following is an entry in ClinVar:

NM_002755.4(MAP2K1):c.139C>T (p.Arg47Ter)

Gene: MAP2K1 (mitogen-activated protein kinase kinase 1; plus strand). Cytogenetic location: 15q22.31.
Variant type: single nucleotide variant.
Coding change: c.139C>T on transcript NM_002755.4 (MANE Select); coding-DNA position 139, C replaced by T.
Protein change: p.Arg47Ter; replaces arginine 47 with a stop codon.
Molecular consequence: nonsense.
Genome position (GRCh38, 1-based): chr15:66,435,085, C>T. VCF-style: chr15-66435085-C-T. GRCh37 (hg19) VCF-style: chr15-66727423-C-T.
Other names: c.73C>T, p.Arg25Ter (NM_001411065.1); short protein forms R25*, R47*.
Identifiers: ClinVar variation 2430928 (VCV002430928.4), dbSNP rs1049040928, ClinGen allele CA271640690.

ClinVar aggregate classification (germline): Uncertain significance. Review status: criteria provided, multiple submitters, no conflicts (2 of 4 stars). 2 submissions from 2 submitters: Uncertain significance (2). Last evaluated 2025-07-27.

Conditions:
RASopathy. Also called: rasopathies; Noonan spectrum disorder. Identifiers: Orphanet 536391, MedGen C5555857, MONDO:0021060.

Allele frequency attached by ClinVar (database versions not stated): gnomAD 0.00001; gnomAD exomes below 0.00001; TOPMed 0.00002.

Submissions (2):

Labcorp Genetics (formerly Invitae), Labcorp
Classification: Uncertain significance for RASopathy. Last evaluated: 2025-07-27. Review status: criteria provided, single submitter. Criteria: Invitae Variant Classification Sherloc (09022015). Collection method: clinical testing. Allele origin: germline.
Comment: This sequence change creates a premature translational stop signal (p.Arg47*) in the MAP2K1 gene. It is expected to result in an absent or disrupted protein product. However, the current clinical and genetic evidence is not sufficient to establish whether loss-of-function variants in MAP2K1 cause disease. This variant is present in population databases (no rsID available, gnomAD 0.002%). This variant has not been reported in the literature in individuals affected with MAP2K1-related conditions. ClinVar contains an entry for this variant (Variation ID: 2430928). In summary, the available evidence is currently insufficient to determine the role of this variant in disease. Therefore, it has been classified as a Variant of Uncertain Significance.

GeneDx
Classification: Uncertain significance. Last evaluated: 2022-08-19. Review status: criteria provided, single submitter. Criteria: GeneDx Variant Classification Process June 2021. Collection method: clinical testing. Allele origin: germline. Affected: yes.
Comment: Nonsense variant predicted to result in protein truncation or nonsense mediated decay in a gene or region of a gene for which loss of function is not a well-established mechanism of disease; Has not been previously published as pathogenic or benign to our knowledge